The following is an entry in ClinVar:

ClinVar aggregate classification (germline): Uncertain significance. Review status: criteria provided, multiple submitters, no conflicts (2 of 4 stars). 6 submissions from 6 submitters: Uncertain significance (6). Last evaluated 2026-04-14.

Conditions:
Inborn genetic diseases. Identifiers: MedGen C0950123, MeSH D030342.
POLR3B-related disorder. Also called: POLR3B-related condition; POLR3B-related disorders. Identifiers: MedGen CN378588, MONDO:0700277.
Leukodystrophy, hypomyelinating, 8, with or without oligodontia and/or hypogonadotropic hypogonadism. Also called: Endosteal sclerosis-cerebellar hypoplasia syndrome; Hypomyelinating leukodystrophy 8 with or without oligodontia and-or hypogonadotropic hypogonadism; LEUKODYSTROPHY, HYPOMYELINATING, 8, WITH HYPODONTIA AND HYPOGONADOTROPIC HYPOGONADISM. Identifiers: Orphanet 85186, Orphanet 88637, MedGen C3280644, MONDO:0013722, OMIM 614381.

Allele frequency attached by ClinVar (database versions not stated): ExAC 0.00008; gnomAD 0.00006 and 0.00009; 1000 Genomes Project 0.00020; ESP Exome Variant Server 0.00023; 1000 Genomes Project 30x 0.00031; TOPMed 0.00008; gnomAD exomes 0.00010.
gnomAD v4.1: 367 of 1,613,974 alleles (0.023%); highest among the groups gnomAD compares: Non-Finnish European, 0.03%; no homozygotes.

Submissions (6):

PreventionGenetics, part of Exact Sciences
Classification: Uncertain significance for POLR3B-related condition. Last evaluated: 2026-04-14. Review status: criteria provided, single submitter. Criteria: ACMG Guidelines, 2015. Collection method: clinical testing. Allele origin: germline.
Comment: The POLR3B c.2933G>A variant is predicted to result in the amino acid substitution p.Arg978His. To our knowledge, this variant has not been reported in the literature. This variant is reported in 0.018% of alleles in individuals of European (Non-Finnish) descent in gnomAD. At this time, the clinical significance of this variant is uncertain due to the absence of conclusive functional and genetic evidence.

GeneDx
Classification: Uncertain significance. Last evaluated: 2025-08-04. Review status: criteria provided, single submitter. Criteria: GeneDx Variant Classification Process June 2021. Collection method: clinical testing. Allele origin: germline. Affected: yes.
Comment: In silico analysis suggests that this missense variant does not alter protein structure/function; Has not been previously published as pathogenic or benign to our knowledge

CeGaT Center for Human Genetics Tuebingen
Classification: Uncertain significance. Last evaluated: 2024-03-01. Review status: criteria provided, single submitter. Criteria: CeGaT Center For Human Genetics Tuebingen Variant Classification Criteria Version 2. Collection method: clinical testing. Allele origin: germline. Affected: yes. Observed: 1 variant allele.
Comment: POLR3B: PM5

Labcorp Genetics (formerly Invitae), Labcorp
Classification: Uncertain significance. Last evaluated: 2023-03-01. Review status: criteria provided, single submitter. Criteria: Invitae Variant Classification Sherloc (09022015). Collection method: clinical testing. Allele origin: germline.
Comment: In summary, the available evidence is currently insufficient to determine the role of this variant in disease. Therefore, it has been classified as a Variant of Uncertain Significance. Advanced modeling of protein sequence and biophysical properties (such as structural, functional, and spatial information, amino acid conservation, physicochemical variation, residue mobility, and thermodynamic stability) performed at Invitae indicates that this missense variant is not expected to disrupt POLR3B protein function. ClinVar contains an entry for this variant (Variation ID: 880812). This variant has not been reported in the literature in individuals affected with POLR3B-related conditions. This variant is present in population databases (rs117293015, gnomAD 0.02%). This sequence change replaces arginine, which is basic and polar, with histidine, which is basic and polar, at codon 978 of the POLR3B protein (p.Arg978His).

Illumina Laboratory Services, Illumina
Classification: Uncertain significance for Leukodystrophy, hypomyelinating, 8, with or without oligodontia and/or hypogonadotropic hypogonadism. Last evaluated: 2018-01-13. Review status: criteria provided, single submitter. Criteria: ICSL Variant Classification Criteria 13 December 2019. Collection method: clinical testing. Allele origin: germline.

Ambry Genetics
Classification: Uncertain significance for Inborn genetic diseases. Last evaluated: 2017-11-08. Review status: criteria provided, single submitter. Criteria: Ambry exome assertion method (8-5-2015). Collection method: clinical testing. Allele origin: germline. Affected: yes. Observed: 1 variant allele.

NM_018082.6(POLR3B):c.2933G>A (p.Arg978His)

Genes: POLR3B (RNA polymerase III subunit B; plus strand), RFX4-AS1 (RFX4 antisense RNA 1; minus strand). Cytogenetic location: 12q23.3.
Variant type: single nucleotide variant.
Coding change: c.2933G>A on transcript NM_018082.6 (MANE Select); coding-DNA position 2933, G replaced by A.
Protein change: p.Arg978His; replaces arginine 978 with histidine.
Molecular consequence: missense variant.
Genome position (GRCh38, 1-based): chr12:106,496,867, G>A. VCF-style: chr12-106496867-G-A. GRCh37 (hg19) VCF-style: chr12-106890645-G-A.
Other names: c.2759G>A, p.Arg920His (NM_001160708.2); short protein forms R920H, R978H.
Identifiers: ClinVar variation 880812 (VCV000880812.36), dbSNP rs117293015, ClinGen allele CA6762341.